The following is an entry in ClinVar:

ClinVar aggregate classification (germline): Uncertain significance (1 of 4 stars; one submission).

Conditions:
Arrhythmogenic right ventricular dysplasia 13. Also called: ARRHYTHMOGENIC RIGHT VENTRICULAR CARDIOMYOPATHY 13; Arrhythmogenic right ventricular dysplasia, familial, 13. Identifiers: MedGen C3810138, MONDO:0000908, OMIM 615616.

Submission:

Labcorp Genetics (formerly Invitae), Labcorp
Classification: Uncertain significance for Arrhythmogenic right ventricular dysplasia 13. Last evaluated: 2022-09-06. Review status: criteria provided, single submitter. Criteria: Invitae Variant Classification Sherloc (09022015). Collection method: clinical testing. Allele origin: germline.
Comment: This variant is a gross deletion of the genomic region encompassing exon(s) 13 of the CTNNA3 gene. This deletion is out-of-frame, and is expected to create a premature translational stop signal and result in an absent or disrupted protein product. However, the current clinical and genetic evidence is not sufficient to establish whether loss-of-function variants in CTNNA3 cause disease. This variant has not been reported in the literature in individuals affected with CTNNA3-related conditions. In summary, the available evidence is currently insufficient to determine the role of this variant in disease. Therefore, it has been classified as a Variant of Uncertain Significance.

NC_000010.11:g.(?_66280450)_(66280641_?)del

Gene: CTNNA3 (catenin alpha 3; minus strand). Cytogenetic location: 10q21.3.
Variant type: Deletion.
Identifiers: ClinVar variation 541670 (VCV000541670.3).